The following is an entry in ClinVar:

ClinVar aggregate classification (germline): Pathogenic. Review status: criteria provided, multiple submitters, no conflicts (2 of 4 stars). 5 submissions from 5 submitters: Pathogenic (3). 2 of the submissions do not count toward it. Last evaluated 2026-01-27.

Conditions:
Sulfite oxidase deficiency due to molybdenum cofactor deficiency type B1 (MOCODB1). Also called: Molybdenum cofactor deficiency, complementation group B; MOLYBDENUM COFACTOR DEFICIENCY, TYPE B1; Molybdenum cofactor deficiency B; Sulfite oxidase deficiency due to molybdenum cofactor deficiency type B. Identifiers: Orphanet 308393, Orphanet 833, MedGen C6065887, MONDO:0009644, OMIM 252160.
Sulfite oxidase deficiency due to molybdenum cofactor deficiency type A. Also called: Molybdenum cofactor deficiency, complementation group A; Molybdenum Cofactor Deficiency A. Identifiers: Orphanet 308386, Orphanet 833, MedGen C1854988, MONDO:0009643, OMIM 252150.

Allele frequency attached by ClinVar (database versions not stated): gnomAD 0.00001; TOPMed 0.00002; ExAC below 0.00001; gnomAD exomes 0.00003.
gnomAD v4.1: 5 of 1,552,506 alleles (0.00032%); highest among the groups gnomAD compares: East Asian, 0.0098%; no homozygotes.

Submissions (5):

Labcorp Genetics (formerly Invitae), Labcorp
Classification: Pathogenic. Last evaluated: 2026-01-27. Review status: criteria provided, single submitter. Criteria: Invitae Variant Classification Sherloc (09022015). Collection method: clinical testing. Allele origin: germline.
Comment: This sequence change creates a premature translational stop signal (p.Gln6*) in the MOCS2A gene. It is expected to result in an absent or disrupted protein product. Loss-of-function variants in MOCS2A are known to be pathogenic (PMID: 21031595). This variant is present in population databases (rs121908607, gnomAD 0.04%). This premature translational stop signal has been observed in individual(s) with molybdenum cofactor deficiency (PMID: 11746050). ClinVar contains an entry for this variant (Variation ID: 6113). For these reasons, this variant has been classified as Pathogenic.

Fulgent Genetics
Classification: Pathogenic for Sulfite oxidase deficiency due to molybdenum cofactor deficiency type B1. Last evaluated: 2024-04-26. Review status: criteria provided, single submitter. Criteria: ACMG Guidelines, 2015. Collection method: clinical testing. Allele origin: germline.

Juno Genomics, Hangzhou Juno Genomics, Inc
Classification: Pathogenic for Sulfite oxidase deficiency due to molybdenum cofactor deficiency type B1. Review status: criteria provided, single submitter. Criteria: ACMG Guidelines, 2015. Collection method: clinical testing. Allele origin: germline.
Comment: Absent from controls (or at extremely low frequency if recessive) in Genome Aggregation Database.;Null variant in a gene where loss of function (LOF) is a known mechanism of disease.;For recessive disorders, detected in trans with a pathogenic variant.

SingHealth Duke-NUS Institute of Precision Medicine
Classification: Pathogenic for Sulfite oxidase deficiency due to molybdenum cofactor deficiency type A. Last evaluated: 2017-06-07. Review status: no assertion criteria provided. Collection method: curation. Allele origin: germline. Affected: no. Not counted in ClinVar's aggregate classification.

OMIM
Classification: Pathogenic for MOLYBDENUM COFACTOR DEFICIENCY, TYPE B1. Last evaluated: 2001-11-22. Review status: no assertion criteria provided. Collection method: literature only. Allele origin: germline. Not counted in ClinVar's aggregate classification.

Literature cited by the submitters: PubMed 21031595 (cited by Labcorp Genetics (formerly Invitae), Labcorp); PubMed 11746050 (cited by Labcorp Genetics (formerly Invitae), Labcorp and OMIM).

NM_176806.4(MOCS2):c.16C>T (p.Gln6Ter)

Genes: MOCS2 (molybdenum cofactor synthesis 2; minus strand), LOC129993881 (ATAC-STARR-seq lymphoblastoid silent region 16005; plus strand). Cytogenetic location: 5q11.2.
Variant type: single nucleotide variant.
Coding change: c.16C>T on transcript NM_176806.4 (MANE Plus Clinical); coding-DNA position 16, C replaced by T.
Protein change: p.Gln6Ter; replaces glutamine 6 with a stop codon.
Molecular consequence: nonsense. On other transcripts: 5 prime UTR variant (1).
Genome position (GRCh38, 1-based): chr5:53,109,714, G>A on the plus strand (C>T on the coding strand, the complement: MOCS2 is on the minus strand). VCF-style: chr5-53109714-G-A. GRCh37 (hg19) VCF-style: chr5-52405544-G-A.
Other names: c.-633C>T (NM_004531.5); short protein forms Q6*.
Identifiers: ClinVar variation 6113 (VCV000006113.16), dbSNP rs121908607, ClinGen allele CA117947.